The following is an entry in ClinVar:

ClinVar aggregate classification (germline): Benign. Review status: criteria provided, multiple submitters, no conflicts (2 of 4 stars). 2 submissions from 2 submitters: Benign (2). Last evaluated 2018-01-13.

Conditions:
Schnyder crystalline corneal dystrophy (SCCD). Also called: Crystalline corneal dystrophy; Schnyder corneal dystrophy. Identifiers: Orphanet 98967, MedGen C0271287, MONDO:0007374, OMIM 121800.

Allele frequency attached by ClinVar (database versions not stated): gnomAD 0.09921; TOPMed 0.09549; 1000 Genomes Project 30x 0.12851; 1000 Genomes Project 0.12959.
gnomAD v4.1: 14,434 of 152,180 alleles (9.5%); highest among the groups gnomAD compares: African/African-American, 21%; 1,126 homozygotes.

Submissions (2):

Illumina Laboratory Services, Illumina
Classification: Benign for Schnyder crystalline corneal dystrophy. Last evaluated: 2018-01-13. Review status: criteria provided, single submitter. Criteria: ICSL Variant Classification Criteria 13 December 2019. Collection method: clinical testing. Allele origin: germline.
Comment: This variant was observed in the ICSL laboratory as part of a predisposition screen in an ostensibly healthy population. It had not been previously curated by ICSL or reported in the Human Gene Mutation Database (HGMD: prior to June 1st, 2018), and was therefore a candidate for classification through an automated scoring system. Utilizing variant allele frequency, disease prevalence and penetrance estimates, and inheritance mode, an automated score was calculated to assess if this variant is too frequent to cause the disease. Based on the score and internal cut-off values, a variant classified as benign is not then subjected to further curation. The score for this variant resulted in a classification of benign for this disease.

Breakthrough Genomics
Classification: Benign. Review status: criteria provided, single submitter. Criteria: ACMG Guidelines, 2015. Collection method: not provided. Allele origin: germline. Inheritance: Autosomal dominant inheritance. Affected: yes.

NM_013319.3(UBIAD1):c.*1304C>T

Gene: UBIAD1 (UbiA prenyltransferase domain containing 1; plus strand). Cytogenetic location: 1p36.22.
Variant type: single nucleotide variant.
Coding change: c.*1304C>T on transcript NM_013319.3 (MANE Select); 1304 bases downstream of the stop codon, C replaced by T.
Molecular consequence: 3 prime UTR variant. On other transcripts: intron variant (2).
Genome position (GRCh38, 1-based): chr1:11,287,435, C>T. VCF-style: chr1-11287435-C-T. GRCh37 (hg19) VCF-style: chr1-11347492-C-T.
Other names: c.618+1703C>T (NM_001330349.2); c.530-7438C>T (NM_001330350.2).
Identifiers: ClinVar variation 291894 (VCV000291894.6), dbSNP rs17036631, ClinGen allele CA10607553.